The following is an entry in ClinVar:

ClinVar aggregate classification (germline): Pathogenic/Likely pathogenic. Review status: criteria provided, multiple submitters, no conflicts (2 of 4 stars). 2 submissions from 2 submitters: Pathogenic (1); Likely pathogenic (1). Last evaluated 2025-05-08.

Conditions:
ALPK3-related disorder. Also called: ALPK3-related condition.
Cardiovascular phenotype. Identifiers: MedGen CN230736.

Submissions (2):

Ambry Genetics
Classification: Pathogenic for Cardiovascular phenotype. Last evaluated: 2025-05-08. Review status: criteria provided, single submitter. Criteria: Ambry Variant Classification Scheme 2023. Collection method: clinical testing. Allele origin: germline.
Comment: The c.3897dupT pathogenic mutation, located in coding exon 6 of the ALPK3 gene, results from a duplication of T at nucleotide position 3897, causing a translational frameshift with a predicted alternate stop codon (p.E1300*). This variant was reported in individual(s) with features consistent with hypertrophic cardiomyopathy (Ambry internal data). This variant is considered to be rare based on population cohorts in the Genome Aggregation Database (gnomAD). This alteration is expected to result in loss of function by premature protein truncation or nonsense-mediated mRNA decay. As such, this alteration is interpreted as a disease-causing mutation.

Blueprint Genetics
Classification: Likely pathogenic for ALPK3-related disorders. Last evaluated: 2019-11-05. Review status: criteria provided, single submitter. Criteria: ACMG Guidelines, 2015. Collection method: clinical testing. Allele origin: germline. Affected: yes. Observed: 1 variant allele.

NM_020778.5(ALPK3):c.3291dup (p.Glu1098Ter)

Gene: ALPK3 (alpha kinase 3; plus strand). Cytogenetic location: 15q25.3.
Variant type: Duplication.
Coding change: c.3291dup on transcript NM_020778.5 (MANE Select); coding-DNA position 3291, one base duplicated (T; older notation c.3291dupT).
Protein change: p.Glu1098Ter; replaces glutamic acid 1098 with a stop codon.
Molecular consequence: nonsense.
Genome position (GRCh38, 1-based): chr15:84,858,029, T duplicated. VCF-style (leftmost placement, unchanged base first): chr15-84858028-C-CT. GRCh37 (hg19) VCF-style: chr15-85401259-C-CT.
Other names: short protein forms E1098*.
Identifiers: ClinVar variation 4044656 (VCV004044656.2).